The following is an entry in ClinVar:

ClinVar aggregate classification (germline): Likely pathogenic (1 of 4 stars; one submission).

Conditions:
Immunodeficiency 104. Also called: Severe combined immunodeficiency, autosomal recessive, T cell-negative, B cell-positive, NK cell-positive; IMMUNODEFICIENCY 104, SEVERE COMBINED; SCID, AUTOSOMAL RECESSIVE, T CELL-NEGATIVE, B CELL-POSITIVE, NK CELL-POSITIVE; Severe Combined Immune Deficiency, Autosomal Recessive, TCell -Negative, B Cell-Positive, NK Cell-Positive, IL7R-Related. Identifiers: MedGen C5676890, MONDO:0012163, OMIM 608971.

Submission:

Labcorp Genetics (formerly Invitae), Labcorp
Classification: Likely pathogenic for Immunodeficiency 104. Last evaluated: 2023-09-06. Review status: criteria provided, single submitter. Criteria: Invitae Variant Classification Sherloc (09022015). Collection method: clinical testing. Allele origin: germline.
Comment: This variant is not present in population databases (gnomAD no frequency). In summary, the currently available evidence indicates that the variant is pathogenic, but additional data are needed to prove that conclusively. Therefore, this variant has been classified as Likely Pathogenic. Algorithms developed to predict the effect of sequence changes on RNA splicing suggest that this variant may disrupt the consensus splice site. This variant has not been reported in the literature in individuals affected with PTPRC-related conditions. This sequence change affects an acceptor splice site in intron 7 of the PTPRC gene. It is expected to disrupt RNA splicing. Variants that disrupt the donor or acceptor splice site typically lead to a loss of protein function (PMID: 16199547), and loss-of-function variants in PTPRC are known to be pathogenic (PMID: 10700239).

Literature cited by the submitters: PubMed 16199547; PubMed 10700239.

NM_002838.5(PTPRC):c.659-2A>G

Gene: PTPRC (protein tyrosine phosphatase receptor type C; plus strand). Cytogenetic location: 1q32.1.
Variant type: single nucleotide variant.
Coding change: c.659-2A>G on transcript NM_002838.5 (MANE Select); the canonical splice acceptor site of the intron before coding-DNA position 659, A replaced by G.
Molecular consequence: splice acceptor variant.
Genome position (GRCh38, 1-based): chr1:198,704,470, A>G. VCF-style: chr1-198704470-A-G. GRCh37 (hg19) VCF-style: chr1-198673599-A-G.
Other names: c.176-2A>G (NM_080921.4).
Identifiers: ClinVar variation 2758396 (VCV002758396.3), dbSNP rs2527787867, ClinGen allele CA344097872.